The following is an entry in ClinVar:

NM_021728.4(OTX2):c.542G>A (p.Arg181Lys)

Gene: OTX2 (orthodenticle homeobox 2; minus strand). Cytogenetic location: 14q22.3.
Variant type: single nucleotide variant.
Coding change: c.542G>A on transcript NM_021728.4 (MANE Select); coding-DNA position 542, G replaced by A.
Protein change: p.Arg181Lys; replaces arginine 181 with lysine.
Molecular consequence: missense variant. On other transcripts: non-coding transcript variant (2).
Genome position (GRCh38, 1-based): chr14:56,802,087, C>T on the plus strand (G>A on the coding strand, the complement: OTX2 is on the minus strand). VCF-style: chr14-56802087-C-T. GRCh37 (hg19) VCF-style: chr14-57268805-C-T.
Other names: c.518G>A, p.Arg173Lys (NM_001270523.2, NM_001270524.2, NM_172337.3); c.542G>A, p.Arg181Lys (NM_001270525.2); short protein forms R173K, R181K.
Identifiers: ClinVar variation 3364476 (VCV003364476.1).

ClinVar aggregate classification (germline): Uncertain significance (1 of 4 stars; one submission).

Submission:

GeneDx
Classification: Uncertain significance. Last evaluated: 2023-11-20. Review status: criteria provided, single submitter. Criteria: GeneDx Variant Classification Process June 2021. Collection method: clinical testing. Allele origin: germline. Affected: yes.
Comment: Not observed at significant frequency in large population cohorts (gnomAD); In silico analysis supports that this missense variant does not alter protein structure/function; Has not been previously published as pathogenic or benign to our knowledge